The following is an entry in ClinVar:

ClinVar aggregate classification (germline): Uncertain significance (1 of 4 stars; one submission).

Allele frequency attached by ClinVar (database versions not stated): TOPMed 0.00001; gnomAD exomes 0.00003.
gnomAD v4.1: 46 of 1,614,220 alleles (0.0028%); highest among the groups gnomAD compares: Non-Finnish European, 0.0039%; no homozygotes.

Submission:

Labcorp Genetics (formerly Invitae), Labcorp
Classification: Uncertain significance. Last evaluated: 2024-07-08. Review status: criteria provided, single submitter. Criteria: Invitae Variant Classification Sherloc (09022015). Collection method: clinical testing. Allele origin: germline.
Comment: This sequence change replaces tyrosine, which is neutral and polar, with cysteine, which is neutral and slightly polar, at codon 1888 of the FLNB protein (p.Tyr1888Cys). This variant is not present in population databases (gnomAD no frequency). This variant has not been reported in the literature in individuals affected with FLNB-related conditions. Advanced modeling of protein sequence and biophysical properties (such as structural, functional, and spatial information, amino acid conservation, physicochemical variation, residue mobility, and thermodynamic stability) has been performed at Invitae for this missense variant, however the output from this modeling did not meet the statistical confidence thresholds required to predict the impact of this variant on FLNB protein function. In summary, the available evidence is currently insufficient to determine the role of this variant in disease. Therefore, it has been classified as a Variant of Uncertain Significance.

NM_001457.4(FLNB):c.5663A>G (p.Tyr1888Cys)

Gene: FLNB (filamin B; plus strand). Cytogenetic location: 3p14.3.
Variant type: single nucleotide variant.
Coding change: c.5663A>G on transcript NM_001457.4 (MANE Select); coding-DNA position 5663, A replaced by G.
Protein change: p.Tyr1888Cys; replaces tyrosine 1888 with cysteine.
Molecular consequence: missense variant.
Genome position (GRCh38, 1-based): chr3:58,146,928, A>G. VCF-style: chr3-58146928-A-G. GRCh37 (hg19) VCF-style: chr3-58132655-A-G.
Other names: c.5756A>G, p.Tyr1919Cys (NM_001164317.2); c.5630A>G, p.Tyr1877Cys (NM_001164318.2); c.5591A>G, p.Tyr1864Cys (NM_001164319.2); short protein forms Y1919C, Y1888C, Y1864C, Y1877C.
Identifiers: ClinVar variation 2897194 (VCV002897194.3), dbSNP rs1181676564, ClinGen allele CA353355070.